The following is an entry in ClinVar:

ClinVar aggregate classification (germline): Uncertain significance. Review status: criteria provided, multiple submitters, no conflicts (2 of 4 stars). 3 submissions from 3 submitters: Uncertain significance (3). Last evaluated 2026-01-27.

Conditions:
Inborn genetic diseases. Identifiers: MedGen C0950123, MeSH D030342.

Allele frequency attached by ClinVar (database versions not stated): gnomAD exomes 0.00001; gnomAD 0.00010; ExAC 0.00002; ESP Exome Variant Server 0.00008; TOPMed 0.00012.
gnomAD v4.1: 39 of 1,614,034 alleles (0.0024%); highest among the groups gnomAD compares: African/African-American, 0.021%; no homozygotes.

Submissions (3):

GeneDx
Classification: Uncertain significance. Last evaluated: 2026-01-27. Review status: criteria provided, single submitter. Criteria: GeneDx Variant Classification Process June 2021. Collection method: clinical testing. Allele origin: germline. Affected: yes.
Comment: In silico analysis suggests that this missense variant does not alter protein structure/function; Has not been previously published as pathogenic or benign to our knowledge

Ambry Genetics
Classification: Uncertain significance for Inborn genetic diseases. Last evaluated: 2024-07-14. Review status: criteria provided, single submitter. Criteria: Ambry Variant Classification Scheme 2023. Collection method: clinical testing. Allele origin: germline.

Labcorp Genetics (formerly Invitae), Labcorp
Classification: Uncertain significance. Last evaluated: 2022-08-12. Review status: criteria provided, single submitter. Criteria: Invitae Variant Classification Sherloc (09022015). Collection method: clinical testing. Allele origin: germline.
Comment: This variant is present in population databases (rs368559431, gnomAD 0.02%). This sequence change replaces aspartic acid, which is acidic and polar, with asparagine, which is neutral and polar, at codon 169 of the DSPP protein (p.Asp169Asn). This variant has not been reported in the literature in individuals affected with DSPP-related conditions. Algorithms developed to predict the effect of missense changes on protein structure and function output the following: SIFT: "Tolerated"; PolyPhen-2: "Benign"; Align-GVGD: "Class C0". The asparagine amino acid residue is found in multiple mammalian species, which suggests that this missense change does not adversely affect protein function. In summary, the available evidence is currently insufficient to determine the role of this variant in disease. Therefore, it has been classified as a Variant of Uncertain Significance.

NM_014208.3(DSPP):c.505G>A (p.Asp169Asn)

Genes: DMP1-AS1 (DMP1 and DSPP antisense RNA 1; minus strand), DSPP (dentin sialophosphoprotein; plus strand). Cytogenetic location: 4q22.1.
Variant type: single nucleotide variant.
Coding change: c.505G>A on transcript NM_014208.3 (MANE Select); coding-DNA position 505, G replaced by A.
Protein change: p.Asp169Asn; replaces aspartic acid 169 with asparagine.
Molecular consequence: missense variant.
Genome position (GRCh38, 1-based): chr4:87,612,691, G>A. VCF-style: chr4-87612691-G-A. GRCh37 (hg19) VCF-style: chr4-88533843-G-A.
Other names: short protein forms D169N.
Identifiers: ClinVar variation 1806686 (VCV001806686.9), dbSNP rs368559431, ClinGen allele CA3000908.